The following is an entry in ClinVar:

ClinVar aggregate classification (germline): Uncertain significance (1 of 4 stars; one submission).

Submission:

Labcorp Genetics (formerly Invitae), Labcorp
Classification: Uncertain significance. Last evaluated: 2021-12-02. Review status: criteria provided, single submitter. Criteria: Invitae Variant Classification Sherloc (09022015). Collection method: clinical testing. Allele origin: germline.
Comment: This sequence change replaces leucine, which is neutral and non-polar, with proline, which is neutral and non-polar, at codon 46 of the BCL11B protein (p.Leu46Pro). This variant is not present in population databases (gnomAD no frequency). This variant has not been reported in the literature in individuals affected with BCL11B-related conditions. Algorithms developed to predict the effect of missense changes on protein structure and function are either unavailable or do not agree on the potential impact of this missense change (SIFT: "Deleterious"; PolyPhen-2: "Possibly Damaging"; Align-GVGD: "Class C0"). In summary, the available evidence is currently insufficient to determine the role of this variant in disease. Therefore, it has been classified as a Variant of Uncertain Significance.

NM_138576.4(BCL11B):c.137T>C (p.Leu46Pro)

Gene: BCL11B (BCL11 transcription factor B; minus strand). Cytogenetic location: 14q32.2.
Variant type: single nucleotide variant.
Coding change: c.137T>C on transcript NM_138576.4 (MANE Select); coding-DNA position 137, T replaced by C.
Protein change: p.Leu46Pro; replaces leucine 46 with proline.
Molecular consequence: missense variant.
Genome position (GRCh38, 1-based): chr14:99,257,761, A>G on the plus strand (T>C on the coding strand, the complement: BCL11B is on the minus strand). VCF-style: chr14-99257761-A-G. GRCh37 (hg19) VCF-style: chr14-99724098-A-G.
Other names: c.134T>C, p.Leu45Pro (NM_001282237.2, NM_001282238.2); c.137T>C, p.Leu46Pro (NM_022898.3); short protein forms L45P, L46P.
Identifiers: ClinVar variation 1471452 (VCV001471452.8), dbSNP rs2139954162, ClinGen allele CA390939703.